The following is an entry in ClinVar:

NM_003873.7(NRP1):c.919C>T (p.Arg307Cys)

Gene: NRP1 (neuropilin 1; minus strand). Cytogenetic location: 10p11.22.
Variant type: single nucleotide variant.
Coding change: c.919C>T on transcript NM_003873.7 (MANE Select); coding-DNA position 919, C replaced by T.
Protein change: p.Arg307Cys; replaces arginine 307 with cysteine.
Molecular consequence: missense variant. On other transcripts: non-coding transcript variant (1).
Genome position (GRCh38, 1-based): chr10:33,254,090, G>A on the plus strand (C>T on the coding strand, the complement: NRP1 is on the minus strand). VCF-style: chr10-33254090-G-A. GRCh37 (hg19) VCF-style: chr10-33543018-G-A.
Other names: c.919C>T, p.Arg307Cys (NM_001024628.3, NM_001024629.3, NM_001244972.2 and 2 more transcripts); short protein forms R307C.
Identifiers: ClinVar variation 4977094 (VCV004977094.1).

ClinVar aggregate classification (germline): Uncertain significance (1 of 4 stars; one submission).

Conditions:
NRP1-related disorder. Also called: NRP1-related condition.

Submission:

PreventionGenetics, part of Exact Sciences
Classification: Uncertain significance for NRP1-related condition. Last evaluated: 2025-04-24. Review status: criteria provided, single submitter. Criteria: ACMG Guidelines, 2015. Collection method: clinical testing. Allele origin: germline.
Comment: The NRP1 c.919C>T variant is predicted to result in the amino acid substitution p.Arg307Cys. To our knowledge, this variant has not been reported in the literature. This variant is reported in 0.0098% of alleles in individuals of South Asian descent in gnomAD. At this time, the clinical significance of this variant is uncertain due to the absence of conclusive functional and genetic evidence.